The following is an entry in ClinVar:

NM_017617.5(NOTCH1):c.2527G>A (p.Glu843Lys)

Gene: NOTCH1 (notch receptor 1; minus strand). Cytogenetic location: 9q34.3.
Variant type: single nucleotide variant.
Coding change: c.2527G>A on transcript NM_017617.5 (MANE Select); coding-DNA position 2527, G replaced by A.
Protein change: p.Glu843Lys; replaces glutamic acid 843 with lysine.
Molecular consequence: missense variant.
Genome position (GRCh38, 1-based): chr9:136,511,212, C>T on the plus strand (G>A on the coding strand, the complement: NOTCH1 is on the minus strand). VCF-style: chr9-136511212-C-T. GRCh37 (hg19) VCF-style: chr9-139405664-C-T.
Other names: c.2527G>A (NM_017617.4); short protein forms E843K.
Identifiers: ClinVar variation 971201 (VCV000971201.12), dbSNP rs750170645, ClinGen allele CA5341276.

ClinVar aggregate classification (germline): Uncertain significance. Review status: criteria provided, multiple submitters, no conflicts (2 of 4 stars). 4 submissions from 4 submitters: Uncertain significance (4). Last evaluated 2025-06-30.

Conditions:
Familial thoracic aortic aneurysm and aortic dissection (TAAD). Also called: Thoracic aortic aneurysms and dissections. Identifiers: Orphanet 91387, MedGen C4707243, MONDO:0019625.
Adams-Oliver syndrome 5 (AOS5). Identifiers: Orphanet 974, MedGen C4014970, MONDO:0014459, OMIM 616028.

Allele frequency attached by ClinVar (database versions not stated): ExAC 0.00001.

Submissions (4):

Ambry Genetics
Classification: Uncertain significance for Familial thoracic aortic aneurysm and aortic dissection. Last evaluated: 2025-06-30. Review status: criteria provided, single submitter. Criteria: Ambry Variant Classification Scheme 2023. Collection method: clinical testing. Allele origin: germline.
Comment: The p.E843K variant (also known as c.2527G>A), located in coding exon 16 of the NOTCH1 gene, results from a G to A substitution at nucleotide position 2527. The glutamic acid at codon 843 is replaced by lysine, an amino acid with similar properties. This amino acid position is not well conserved in available vertebrate species. In addition, this alteration is predicted to be tolerated by in silico analysis. Since supporting evidence is limited at this time, the clinical significance of this alteration remains unclear.

Labcorp Genetics (formerly Invitae), Labcorp
Classification: Uncertain significance for Adams-Oliver syndrome 5. Last evaluated: 2025-01-19. Review status: criteria provided, single submitter. Criteria: Invitae Variant Classification Sherloc (09022015). Collection method: clinical testing. Allele origin: germline.
Comment: This sequence change replaces glutamic acid, which is acidic and polar, with lysine, which is basic and polar, at codon 843 of the NOTCH1 protein (p.Glu843Lys). This variant is not present in population databases (gnomAD no frequency). This variant has not been reported in the literature in individuals affected with NOTCH1-related conditions. ClinVar contains an entry for this variant (Variation ID: 971201). Invitae Evidence Modeling of protein sequence and biophysical properties (such as structural, functional, and spatial information, amino acid conservation, physicochemical variation, residue mobility, and thermodynamic stability) indicates that this missense variant is not expected to disrupt NOTCH1 protein function with a negative predictive value of 95%. In summary, the available evidence is currently insufficient to determine the role of this variant in disease. Therefore, it has been classified as a Variant of Uncertain Significance.

Women's Health and Genetics/Laboratory Corporation of America, LabCorp
Classification: Uncertain significance. Last evaluated: 2023-08-30. Review status: criteria provided, single submitter. Criteria: LabCorp Variant Classification Summary - May 2015. Collection method: clinical testing. Allele origin: germline.
Comment: Variant summary: NOTCH1 c.2527G>A (p.Glu843Lys) results in a conservative amino acid change located in the EGF-like domain (IPR000742) of the encoded protein sequence. Five of five in-silico tools predict a benign effect of the variant on protein function. The variant was absent in 247298 control chromosomes (gnomAD). The available data on variant occurrences in the general population are insufficient to allow any conclusion about variant significance. To our knowledge, no occurrence of c.2527G>A in individuals affected with Adams-Oliver Syndrome 5 and no experimental evidence demonstrating its impact on protein function have been reported. Two submitters have cited clinical-significance assessments for this variant to ClinVar after 2014. All submitters classified the variant as uncertain significance. Based on the evidence outlined above, the variant was classified as uncertain significance.

ARUP Laboratories, Molecular Genetics and Genomics, ARUP Laboratories
Classification: Uncertain significance. Last evaluated: 2023-03-14. Review status: criteria provided, single submitter. Criteria: ARUP Molecular Germline Variant Investigation Process 2024. Collection method: clinical testing. Allele origin: germline.
Comment: The NOTCH1 c.2527G>A; p.Glu843Lys variant (rs750170645), to our knowledge, is not reported in the medical literature but is reported in ClinVar (Variation ID: 971201). This variant is also absent from the Genome Aggregation Database, indicating it is not a common polymorphism. Computational analyses are uncertain whether this variant is neutral or deleterious (REVEL: 0.152). Due to limited information, the clinical significance of this variant is uncertain at this time.